The following is an entry in ClinVar:

ClinVar aggregate classification (germline): Benign/Likely benign. Review status: criteria provided, multiple submitters, no conflicts (2 of 4 stars). 12 submissions from 11 submitters: Benign (6); Likely benign (4). 2 of the submissions do not count toward it. Last evaluated 2026-02-01.

Conditions:
Myeloproliferative disorder, chronic, with eosinophilia. Also called: Malignant eosinophil proliferation; EOSINOPHILS, MALIGNANT PROLIFERATION OF. Identifiers: MedGen C1851585, MONDO:0007546, OMIM 131440, HP:0006782.
Myofibromatosis, infantile, 1. Also called: Myofibromatosis, juvenile. Identifiers: Orphanet 2591, MedGen C4551572, MONDO:0009227, OMIM 228550.
Acroosteolysis-keloid-like lesions-premature aging syndrome. Also called: Progeroid syndrome, Penttinen type; Premature aging syndrome, Penttinen type; Prematurely aged appearance, delayed bone maturation, acro-osteolysis, and brachydactyly. Identifiers: Orphanet 363665, MedGen C1866182, MONDO:0011150, OMIM 601812.
Skeletal overgrowth-craniofacial dysmorphism-hyperelastic skin-white matter lesions syndrome. Also called: SKELETAL OVERGROWTH WITH FACIAL DYSMORPHISM, HYPERELASTIC SKIN, WHITE MATTER LESIONS, AND NEUROLOGIC DETERIORATION; Kosaki overgrowth syndrome. Identifiers: Orphanet 477831, MedGen C4225270, MONDO:0014704, OMIM 616592.
Infantile myofibromatosis (IMF). Also called: Congenital generalized fibromatosis. Identifiers: Orphanet 2591, MedGen C0432284, MONDO:0016824.
Basal ganglia calcification, idiopathic, 4 (PFBC4). Also called: Familial Idiopathic Basal Ganglia Calcification 4; PRIMARY FAMILIAL BRAIN CALCIFICATION 4, AUTOSOMAL DOMINANT. Identifiers: Orphanet 1980, MedGen C3554321, MONDO:0014004, OMIM 615007.

Allele frequency attached by ClinVar (database versions not stated): 1000 Genomes Project 0.00100; 1000 Genomes Project 30x 0.00109; TOPMed 0.00263; ExAC 0.00478; gnomAD 0.00287 and 0.00283; ESP Exome Variant Server 0.00309.
gnomAD v4.1: 5,136 of 1,560,448 alleles (0.33%); highest among the groups gnomAD compares: Non-Finnish European, 0.36%; 22 homozygotes.

Submissions (12):

Labcorp Genetics (formerly Invitae), Labcorp
Classification: Benign for Basal ganglia calcification, idiopathic, 4; Skeletal overgrowth-craniofacial dysmorphism-hyperelastic skin-white matter lesions syndrome; Infantile myofibromatosis; Acroosteolysis-keloid-like lesions-premature aging syndrome. Last evaluated: 2026-02-01. Review status: criteria provided, single submitter. Criteria: Invitae Variant Classification Sherloc (09022015). Collection method: clinical testing. Allele origin: germline.

CeGaT Center for Human Genetics Tuebingen
Classification: Benign. Last evaluated: 2025-09-01. Review status: criteria provided, single submitter. Criteria: CeGaT Center For Human Genetics Tuebingen Variant Classification Criteria Version 2. Collection method: clinical testing. Allele origin: germline. Affected: yes. Observed: 8 variant alleles.
Comment: PDGFRB: BP4, BS1, BS2

KCCC/NGS Laboratory, Kuwait Cancer Control Center
Classification: Benign for Myofibromatosis, infantile, 1. Last evaluated: 2025-02-01. Review status: criteria provided, single submitter. Criteria: ACMG Guidelines, 2015. Collection method: clinical testing. Allele origin: germline. Affected: no.

Blueprint Genetics
Classification: Likely benign. Last evaluated: 2024-11-21. Review status: criteria provided, single submitter. Criteria: ACMG Guidelines, 2015. Collection method: clinical testing. Allele origin: germline.

KCCC/NGS Laboratory, Kuwait Cancer Control Center
Classification: Likely benign for Myeloproliferative disorder, chronic, with eosinophilia. Last evaluated: 2023-07-07. Review status: criteria provided, single submitter. Criteria: ACMG Guidelines, 2015. Collection method: clinical testing. Allele origin: germline. Affected: yes.

Mayo Clinic Laboratories, Mayo Clinic
Classification: Benign. Last evaluated: 2023-05-15. Review status: criteria provided, single submitter. Criteria: ACMG Guidelines, 2015. Collection method: clinical testing. Allele origin: germline. Observed: 12 variant alleles.
Comment: BS1, BS2, BP4

GeneDx
Classification: Benign. Last evaluated: 2019-08-26. Review status: criteria provided, single submitter. Criteria: GeneDx Variant Classification Process June 2021. Collection method: clinical testing. Allele origin: germline. Affected: yes.
Comment: This variant is associated with the following publications: (PMID: 30819905, 30761385, 27626691, 26494726)

Center for Pediatric Genomic Medicine, Children's Mercy Hospital and Clinics
Classification: Likely benign. Last evaluated: 2017-06-02. Review status: criteria provided, single submitter. Criteria: ACMG Guidelines, 2015. Collection method: clinical testing. Allele origin: germline.

Eurofins Ntd Llc (ga)
Classification: Benign. Last evaluated: 2017-06-01. Review status: criteria provided, single submitter. Criteria: EGL Classification Definitions 2015. Collection method: clinical testing. Allele origin: germline. Observed: 1 variant allele, 1 heterozygote.

Breakthrough Genomics
Classification: Likely benign. Review status: criteria provided, single submitter. Criteria: ACMG Guidelines, 2015. Collection method: not provided. Allele origin: germline. Inheritance: Autosomal dominant inheritance. Affected: yes.

Clinical Genetics DNA and cytogenetics Diagnostics Lab, Erasmus MC, Erasmus Medical Center
Classification: Likely benign. Review status: no assertion criteria provided. Collection method: clinical testing. Allele origin: germline. Affected: yes. Study: VKGL Data-share Consensus. Not counted in ClinVar's aggregate classification.

Genome Diagnostics Laboratory, Amsterdam University Medical Center
Classification: Likely benign. Review status: no assertion criteria provided. Collection method: clinical testing. Allele origin: germline. Affected: yes. Study: VKGL Data-share Consensus. Not counted in ClinVar's aggregate classification.

NM_002609.4(PDGFRB):c.946G>A (p.Val316Met)

Gene: PDGFRB (platelet derived growth factor receptor beta; minus strand). Cytogenetic location: 5q32.
Variant type: single nucleotide variant.
Coding change: c.946G>A on transcript NM_002609.4 (MANE Select); coding-DNA position 946, G replaced by A.
Protein change: p.Val316Met; replaces valine 316 with methionine.
Molecular consequence: missense variant.
Genome position (GRCh38, 1-based): chr5:150,132,931, C>T on the plus strand (G>A on the coding strand, the complement: PDGFRB is on the minus strand). VCF-style: chr5-150132931-C-T. GRCh37 (hg19) VCF-style: chr5-149512494-C-T.
Other names: p.Val316Met; c.754G>A, p.Val252Met (NM_001355016.2); c.463G>A, p.Val155Met (NM_001355017.2); short protein forms V316M, V155M, V252M.
Identifiers: ClinVar variation 285888 (VCV000285888.49), dbSNP rs41287112, ClinGen allele CA3508146.